The following is an entry in ClinVar:

ClinVar aggregate classification (germline): Conflicting classifications of pathogenicity. Review status: criteria provided, conflicting classifications (1 of 4 stars). 5 submissions from 4 submitters: Likely pathogenic (1); Uncertain significance (2). 2 of the submissions do not count toward it. Last evaluated 2025-11-08.

Conditions:
Hb SS disease (SCD). Also called: Hemoglobin SS; Sickle cell anemia; Sickle cell disease; HbS disease; Hemoglobin S Disease; Sickling disorder due to hemoglobin S. Identifiers: Orphanet 232, Orphanet 275752, MedGen C0002895, MONDO:0011382, OMIM 603903.
Heinz body anemia. Also called: Heinz body hemolytic anemia. Identifiers: Orphanet 178330, MedGen C0700299, MONDO:0007705, OMIM 140700, HP:0005511.
Dominant beta-thalassemia. Also called: Beta-thalassemia, dominant inclusion body type. Identifiers: Orphanet 231226, Orphanet 848, MedGen C1858990, MONDO:0011381, OMIM 603902.
Beta-thalassemia HBB/LCRB. Identifiers: MedGen CN322236, MONDO:0013517, OMIM 613985.
Erythrocytosis, familial, 6. Also called: POLYCYTHEMIA, BETA-GLOBIN TYPE; ERYTHROCYTOSIS, BETA-GLOBIN TYPE. Identifiers: MedGen C4693822, MONDO:0054801, OMIM 617980.
METHEMOGLOBINEMIA, BETA TYPE. Also called: Methemoglobinemia, beta-globin type. Identifiers: MedGen C1840779, OMIM 617971.
Malaria, susceptibility to. Identifiers: Orphanet 673, MedGen C1970028, MONDO:0021024, OMIM 611162.
Hereditary persistence of fetal hemoglobin. Identifiers: MedGen C0019025, MONDO:0020989, OMIM 141749.
HEMOGLOBIN BEOGRAD.
HEMOGLOBIN D (CAMPERDOWN).

Allele frequency attached by ClinVar (database versions not stated): gnomAD exomes below 0.00001; TOPMed below 0.00001; ExAC 0.00001.
gnomAD v4.1: 1 of 1,614,092 alleles (0.000062%); highest among the groups gnomAD compares: Non-Finnish European, 0.000085%; no homozygotes.

Submissions (5):

Quest Diagnostics Nichols Institute San Juan Capistrano
Classification: Uncertain significance. Last evaluated: 2025-11-08. Review status: criteria provided, single submitter. Criteria: Quest Diagnostics criteria. Collection method: clinical testing. Allele origin: unknown.
Comment: The HBB c.365A>T (p.Glu122Val) variant has been reported in the published literature in combination with beta-0 thalassemia, resulting in individuals with clinical and hematological features of moderately severe hemolytic anemia (PMID: 6480364 (1984)). Additionally, several double heterozygotes had anemia of intermediate severity and splenomegaly (PMID: 1138922 (1975)). The frequency of this variant in the general population (Genome Aggregation Database) is uninformative in the assessment of its pathogenicity. Analysis of this variant using bioinformatics tools for the prediction of the effect of amino acid changes on protein structure and function yielded conflicting predictions that this variant is deleterious or benign. Based on the available information, we are unable to determine the clinical significance of this variant.

Fulgent Genetics
Classification: Likely pathogenic for Heinz body anemia; Hereditary persistence of fetal hemoglobin; Dominant beta-thalassemia; Hb SS disease; Malaria, susceptibility to; Beta-thalassemia HBB/LCRB; METHEMOGLOBINEMIA, BETA TYPE; Erythrocytosis, familial, 6. Last evaluated: 2024-04-03. Review status: criteria provided, single submitter. Criteria: ACMG Guidelines, 2015. Collection method: clinical testing. Allele origin: germline.

Women's Health and Genetics/Laboratory Corporation of America, LabCorp
Classification: Uncertain significance. Last evaluated: 2024-04-02. Review status: criteria provided, single submitter. Criteria: LabCorp Variant Classification Summary - May 2015. Collection method: clinical testing. Allele origin: germline.
Comment: Variant summary: HBB c.365A>T (p.Glu122Val), also known as Hb Beograd, results in a non-conservative amino acid change located in the Globin domain (IPR000971) of the encoded protein sequence. Three of five in-silico tools predict a benign effect of the variant on protein function. Other Hemoglobin variants have been reported at this codon. The variant allele was found at a frequency of 4e-06 in 251312 control chromosomes. c.365A>T has been reported in the literature as interacting with beta-thalassemic genotypes and resulting in a severe presentation in setting of beta-0 thalassemia in at-least report (example, Aksoy_1984, Ruvidi_1975). Another study reorts its presence in members of a Serbian family where it is reported as not changing the functional and physical properties of the hemoglobin molecule (Efremov_1973). These data indicate that the variant may be associated with disease. The following publications have been ascertained in the context of this evaluation (PMID: 6480364, 4761994, 17365000, 809962). ClinVar contains an entry for this variant (Variation ID: 15110). Based on the evidence outlined above, the variant was classified as VUS-possibly pathogenic.

OMIM
Classification: other for HEMOGLOBIN BEOGRAD. Last evaluated: 2017-12-12. Review status: no assertion criteria provided. Collection method: literature only. Allele origin: germline. Not counted in ClinVar's aggregate classification.

OMIM
Classification: other for HEMOGLOBIN D (CAMPERDOWN). Last evaluated: 2017-12-12. Review status: no assertion criteria provided. Collection method: literature only. Allele origin: germline. Not counted in ClinVar's aggregate classification.

Literature cited by the submitters: PubMed 17365000 (cited by Quest Diagnostics Nichols Institute San Juan Capistrano and Women's Health and Genetics/Laboratory Corporation of America, LabCorp); PubMed 7717379 (cited by Quest Diagnostics Nichols Institute San Juan Capistrano and OMIM); PubMed 6480364 (cited by Quest Diagnostics Nichols Institute San Juan Capistrano and Women's Health and Genetics/Laboratory Corporation of America, LabCorp); PubMed 1138922 (cited by Quest Diagnostics Nichols Institute San Juan Capistrano and OMIM); PubMed 809962 (cited by 3 submitters); PubMed 4761994 (cited by 3 submitters).

NM_000518.4(HBB):c.365A>T (p.Glu122Val)

Genes: HBB (hemoglobin subunit beta; minus strand), LOC107133510 (origin of replication at HBB; plus strand), LOC110006319 (beta-globin gene 3' regulatory region; plus strand). Cytogenetic location: 11p15.4.
Variant type: single nucleotide variant.
Coding change: c.365A>T on transcript NM_000518.4; coding-DNA position 365, A replaced by T.
Protein change: p.Glu122Val; replaces glutamic acid 122 with valine.
Molecular consequence: missense variant (on NM_000518.5).
Genome position (GRCh38, 1-based): chr11:5,225,677, T>A on the plus strand (A>T on the coding strand, the complement: HBB is on the minus strand). VCF-style: chr11-5225677-T-A. GRCh37 (hg19) VCF-style: chr11-5246907-T-A.
Other names: E121V; c.365A>T, p.Glu122Val (NM_000518.5); short protein forms E122V.
Identifiers: ClinVar variation 15110 (VCV000015110.5), dbSNP rs33987957, ClinGen allele CA124748.
Genomic context (GRCh38, chr11:5,225,677, plus strand): 5'-AGGGCATTAGCCACACCAGCCACCACTTTCTGATAGGCAGCCTGCACTGGTGGGGTGAAT[T>A]CTTTGCCAAAGTGATGGGCCAGCACACAGACCAGCACGTTGCCCAGGAGCTGTGGGAGGA-3'
Protein context (NP_000509.1, residues 112-132): VCVLAHHFGK[Glu122Val]FTPPVQAAYQ